The following is an entry in ClinVar:

ClinVar aggregate classification (germline): Uncertain significance (1 of 4 stars; one submission).

Conditions:
Inborn genetic diseases. Identifiers: MedGen C0950123, MeSH D030342.

gnomAD v4.1: 2 of 1,559,536 alleles (0.00013%); highest among the groups gnomAD compares: Non-Finnish European, 0.00017%; no homozygotes.

Submission:

Ambry Genetics
Classification: Uncertain significance for Inborn genetic diseases. Last evaluated: 2025-08-03. Review status: criteria provided, single submitter. Criteria: Ambry Variant Classification Scheme 2023. Collection method: clinical testing. Allele origin: germline.
Comment: The p.E532D variant (also known as c.1596A>C), located in coding exon 16 of the ANKRD26 gene, results from an A to C substitution at nucleotide position 1596. The glutamic acid at codon 532 is replaced by aspartic acid, an amino acid with highly similar properties. This amino acid position is conserved. In addition, this alteration is predicted to be tolerated by in silico analysis. Based on the available evidence, the clinical significance of this variant remains unclear.

NM_014915.3(ANKRD26):c.1596A>C (p.Glu532Asp)

Gene: ANKRD26 (ankyrin repeat domain containing 26; minus strand). Cytogenetic location: 10p12.1.
Variant type: single nucleotide variant.
Coding change: c.1596A>C on transcript NM_014915.3 (MANE Select); coding-DNA position 1596, A replaced by C.
Protein change: p.Glu532Asp; replaces glutamic acid 532 with aspartic acid.
Molecular consequence: missense variant.
Genome position (GRCh38, 1-based): chr10:27,053,359, T>G on the plus strand (A>C on the coding strand, the complement: ANKRD26 is on the minus strand). VCF-style: chr10-27053359-T-G. GRCh37 (hg19) VCF-style: chr10-27342288-T-G.
Other names: c.1596A>C, p.Glu532Asp (NM_001256053.2); short protein forms E532D.
Identifiers: ClinVar variation 4104013 (VCV004104013.1).